The following is an entry in ClinVar:

ClinVar aggregate classification (germline): Uncertain significance. Review status: criteria provided, multiple submitters, no conflicts (2 of 4 stars). 2 submissions from 2 submitters: Uncertain significance (2). Last evaluated 2025-03-24.

Submissions (2):

Ambry Genetics
Classification: Uncertain significance. Last evaluated: 2025-03-24. Review status: criteria provided, single submitter. Criteria: Ambry Variant Classification Scheme 2023. Collection method: clinical testing. Allele origin: germline.
Comment: The p.H738R variant (also known as c.2213A>G), located in coding exon 8 of the RNF43 gene, results from an A to G substitution at nucleotide position 2213. The histidine at codon 738 is replaced by arginine, an amino acid with highly similar properties. This amino acid position is conserved. In addition, this alteration is predicted to be tolerated by in silico analysis. Based on the available evidence, the clinical significance of this variant remains unclear.

Labcorp Genetics (formerly Invitae), Labcorp
Classification: Uncertain significance. Last evaluated: 2022-01-13. Review status: criteria provided, single submitter. Criteria: Invitae Variant Classification Sherloc (09022015). Collection method: clinical testing. Allele origin: germline.
Comment: This variant is not present in population databases (gnomAD no frequency). This variant has not been reported in the literature in individuals affected with RNF43-related conditions. Algorithms developed to predict the effect of missense changes on protein structure and function (SIFT, PolyPhen-2, Align-GVGD) all suggest that this variant is likely to be tolerated. In summary, the available evidence is currently insufficient to determine the role of this variant in disease. Therefore, it has been classified as a Variant of Uncertain Significance. This sequence change replaces histidine, which is basic and polar, with arginine, which is basic and polar, at codon 738 of the RNF43 protein (p.His738Arg).

NM_017763.6(RNF43):c.2213A>G (p.His738Arg)

Gene: RNF43 (ring finger protein 43; minus strand). Cytogenetic location: 17q22.
Variant type: single nucleotide variant.
Coding change: c.2213A>G on transcript NM_017763.6 (MANE Select); coding-DNA position 2213, A replaced by G.
Protein change: p.His738Arg; replaces histidine 738 with arginine.
Molecular consequence: missense variant.
Genome position (GRCh38, 1-based): chr17:58,357,563, T>C on the plus strand (A>G on the coding strand, the complement: RNF43 is on the minus strand). VCF-style: chr17-58357563-T-C. GRCh37 (hg19) VCF-style: chr17-56434924-T-C.
Other names: c.2213A>G, p.His738Arg (NM_001305544.3); c.1832A>G, p.His611Arg (NM_001305545.2); short protein forms H738R, H611R.
Identifiers: ClinVar variation 1984928 (VCV001984928.5), dbSNP rs1972713844, ClinGen allele CA400385767.
Genomic context (GRCh38, chr17:58,357,563, plus strand): 5'-GGGCATGGCCTGCCCTCTGCGGTGTCAGAACTCCATTCAGAAGGCCCCTCCCCAGGTGGA[T>C]GTGGTTCCAGGGGCTGGCGAGGAGTCAGGCACAACCACACTGGCTGTGAATTTGAGTAAC-3'
Protein context (NP_060233.3, residues 728-748): CLTPRQPLEP[His738Arg]PPGEGPSEWS